The following is an entry in ClinVar:

ClinVar aggregate classification (germline): Uncertain significance (1 of 4 stars; one submission).

Conditions:
X-linked distal spinal muscular atrophy type 3. Also called: ATP7A-Related Distal Motor Neuropathy; SPINAL MUSCULAR ATROPHY, DISTAL, X-LINKED RECESSIVE; NEURONOPATHY, DISTAL HEREDITARY MOTOR, X-LINKED; NEUROPATHY, DISTAL HEREDITARY MOTOR, X-LINKED. Identifiers: Orphanet 139557, MedGen C1845359, MONDO:0010338, OMIM 300489.
Menkes kinky-hair syndrome (MNK). Also called: Copper transport disease; Menkes Disease; Classic Menkes Disease. Identifiers: Orphanet 565, MedGen C0022716, MONDO:0010651, OMIM 309400.
Cutis laxa, X-linked (OHS). Also called: EDS IX; Occipital horn syndrome. Identifiers: Orphanet 198, MedGen C0268353, MONDO:0010572, OMIM 304150.

Submission:

Labcorp Genetics (formerly Invitae), Labcorp
Classification: Uncertain significance for X-linked distal spinal muscular atrophy type 3; Cutis laxa, X-linked; Menkes kinky-hair syndrome. Last evaluated: 2022-03-13. Review status: criteria provided, single submitter. Criteria: Invitae Variant Classification Sherloc (09022015). Collection method: clinical testing. Allele origin: germline.
Comment: In summary, the available evidence is currently insufficient to determine the role of this variant in disease. Therefore, it has been classified as a Variant of Uncertain Significance. Advanced modeling of protein sequence and biophysical properties (such as structural, functional, and spatial information, amino acid conservation, physicochemical variation, residue mobility, and thermodynamic stability) performed at Invitae indicates that this missense variant is not expected to disrupt ATP7A protein function. This variant has not been reported in the literature in individuals affected with ATP7A-related conditions. This variant is not present in population databases (gnomAD no frequency). This sequence change replaces tyrosine, which is neutral and polar, with histidine, which is basic and polar, at codon 594 of the ATP7A protein (p.Tyr594His).

NM_000052.7(ATP7A):c.1780T>C (p.Tyr594His)

Gene: ATP7A (ATPase copper transporting alpha; plus strand). Cytogenetic location: Xq21.1.
Variant type: single nucleotide variant.
Coding change: c.1780T>C on transcript NM_000052.7 (MANE Select); coding-DNA position 1780, T replaced by C.
Protein change: p.Tyr594His; replaces tyrosine 594 with histidine.
Molecular consequence: missense variant.
Genome position (GRCh38, 1-based): chrX:78,009,174, T>C. VCF-style: chrX-78009174-T-C. GRCh37 (hg19) VCF-style: chrX-77264671-T-C.
Other names: c.1780T>C, p.Tyr594His (NM_001282224.2); short protein forms Y594H.
Identifiers: ClinVar variation 2111337 (VCV002111337.4), dbSNP rs2522341282, ClinGen allele CA413597126.
Genomic context (GRCh38, chrX:78,009,174, plus strand): 5'-ACGTGTGCCTCCTGCGTACATAAAATAGAGTCTAGTCTCACAAAACACAGAGGGATCCTA[T>C]ACTGCTCCGTGGCCCTGGCAACCAACAAAGCACATATTAAATATGACCCAGAAATTATTG-3'
Protein context (NP_000043.4, residues 584-604): SSLTKHRGIL[Tyr594His]CSVALATNKA